The following is an entry in ClinVar:

NM_005236.3(ERCC4):c.1606G>C (p.Val536Leu)

Gene: ERCC4 (ERCC excision repair 4, endonuclease catalytic subunit; plus strand). Cytogenetic location: 16p13.12.
Variant type: single nucleotide variant.
Coding change: c.1606G>C on transcript NM_005236.3 (MANE Select); coding-DNA position 1606, G replaced by C.
Protein change: p.Val536Leu; replaces valine 536 with leucine.
Molecular consequence: missense variant.
Genome position (GRCh38, 1-based): chr16:13,935,538, G>C. VCF-style: chr16-13935538-G-C. GRCh37 (hg19) VCF-style: chr16-14029395-G-C.
Other names: short protein forms V536L.
Identifiers: ClinVar variation 134157 (VCV000134157.11), dbSNP rs143347563, ClinGen allele CA158933.

ClinVar aggregate classification (germline): Conflicting classifications of pathogenicity. Review status: criteria provided, conflicting classifications (1 of 4 stars). 4 submissions from 4 submitters: Uncertain significance (1); Likely benign (2). 1 of the submissions does not count toward it. Last evaluated 2026-01-18.

Conditions:
Xeroderma pigmentosum, group F (XPF). Also called: ERCC4-Related Xeroderma Pigmentosum; XERODERMA PIGMENTOSUM, TYPE F; Xeroderma pigmentosum, type 6; XP, GROUP F; XERODERMA PIGMENTOSUM VI; XERODERMA PIGMENTOSUM, COMPLEMENTATION GROUP F. Identifiers: MedGen C0268140, MONDO:0010215, OMIM 278760.
Fanconi anemia complementation group Q. Identifiers: Orphanet 84, MedGen C3808988, MONDO:0014108, OMIM 615272.
Cockayne syndrome. Identifiers: Orphanet 191, MedGen C0009207, MONDO:0016006.

Allele frequency attached by ClinVar (database versions not stated): gnomAD exomes 0.00002 and 0.00005; ExAC 0.00009; gnomAD 0.00018; TOPMed 0.00027; ESP Exome Variant Server 0.00038; 1000 Genomes Project 0.00040; 1000 Genomes Project 30x 0.00047.

Submissions (4):

Labcorp Genetics (formerly Invitae), Labcorp
Classification: Likely benign for Fanconi anemia complementation group Q; Xeroderma pigmentosum, group F; Cockayne syndrome. Last evaluated: 2026-01-18. Review status: criteria provided, single submitter. Criteria: Invitae Variant Classification Sherloc (09022015). Collection method: clinical testing. Allele origin: germline.

St. Jude Molecular Pathology, St. Jude Children's Research Hospital
Classification: Uncertain significance for Fanconi anemia complementation group Q. Last evaluated: 2023-12-14. Review status: criteria provided, single submitter. Criteria: St. Jude Assertion Criteria 2020. Collection method: clinical testing. Allele origin: germline.
Comment: The ERCC4 c.1606G>C (p.Val536Leu) missense change has a maximum subpopulation frequency of 0.072% in gnomAD v2.1.1. The in silico tool REVEL predicts a benign effect on protein function, but this prediction has not been confirmed by functional studies. This variant has not been reported in individuals with Fanconi anemia or xeroderma pigmentosum. In summary, the evidence currently available is insufficient to determine the clinical significance of this variant. It has therefore been classified as of uncertain significance.

Mendelics
Classification: Likely benign for Xeroderma pigmentosum, group F. Last evaluated: 2019-05-28. Review status: criteria provided, single submitter. Criteria: Mendelics Assertion Criteria 2017. Collection method: clinical testing. Allele origin: unknown.

ITMI
No classification provided. Condition: AllHighlyPenetrant. Last evaluated: 2013-09-19. Review status: no classification provided. Collection method: reference population. Allele origin: germline. Not counted in ClinVar's aggregate classification.
Comment: Please see associated publication for description of ethnicities

Literature cited by the submitters: PubMed 24728327 (cited by ITMI).